The following is an entry in ClinVar:

NM_007294.4(BRCA1):c.5406+2T>A

Gene: BRCA1 (BRCA1 DNA repair associated; minus strand). Cytogenetic location: 17q21.31.
Variant type: single nucleotide variant.
Coding change: c.5406+2T>A on transcript NM_007294.4 (MANE Select); the canonical splice donor site of the intron after coding-DNA position 5406, T replaced by A.
Molecular consequence: splice donor variant. On other transcripts: intron variant (19).
Genome position (GRCh38, 1-based): chr17:43,049,119, A>T on the plus strand (T>A on the coding strand, the complement: BRCA1 is on the minus strand). VCF-style: chr17-43049119-A-T. GRCh37 (hg19) VCF-style: chr17-41201136-A-T.
Other names: c.1953+2T>A (NM_001408466.1, NM_001408458.1, NM_001408461.1 and 7 more transcripts); c.1956+2T>A (NM_001408452.1, NM_001408457.1, NM_001408453.1 and 3 more transcripts); c.5259+2T>A (NM_001407850.1, NM_001407844.1, NM_001407851.1 and 12 more transcripts); c.5262+2T>A (NM_001407752.1, NM_001407734.1, NM_001407743.1 and 18 more transcripts); c.5189-1416T>A (NM_001407944.1, NM_001407945.1, NM_001407943.1); c.5265+2T>A (NM_001407730.1, NM_001407692.1, NM_001407729.1 and 12 more transcripts); c.5136+2T>A (NM_001407934.1, NM_001407935.1, NM_001407936.1); c.1833+2T>A (NM_001408497.1, NM_001408498.1, NM_001408501.1 and 3 more transcripts); and 84 more.
Identifiers: ClinVar variation 868429 (VCV000868429.7), dbSNP rs2051071309, ClinGen allele CA10590663.

ClinVar aggregate classification (germline): Pathogenic. Review status: criteria provided, multiple submitters, no conflicts (2 of 4 stars). 2 submissions from 2 submitters: Pathogenic (2). Last evaluated 2024-07-24.

Conditions:
Hereditary breast ovarian cancer syndrome. Also called: Hereditary breast and ovarian cancer; Hereditary breast and ovarian cancer syndrome (HBOC); Breast and ovarian cancer; Hereditary breast and/or ovarian cancer syndrome; BRCA1- and BRCA2-Associated Hereditary Breast and Ovarian Cancer; Hereditary breast and ovarian cancer syndrome. Identifiers: Orphanet 145, MedGen C0677776, MeSH D061325, MONDO:0003582. Disease mechanism: loss of function.
Hereditary cancer-predisposing syndrome. Also called: Neoplastic Syndromes, Hereditary; Tumor predisposition; Hereditary Cancer Syndrome; Hereditary neoplastic syndrome. Identifiers: Orphanet 140162, MedGen C0027672, MeSH D009386, MONDO:0015356.

Submissions (3):

Labcorp Genetics (formerly Invitae), Labcorp
Classification: Pathogenic for Hereditary breast ovarian cancer syndrome. Last evaluated: 2024-07-24. Review status: criteria provided, single submitter. Criteria: Invitae Variant Classification Sherloc (09022015). Collection method: clinical testing. Allele origin: germline.
Comment: This sequence change affects a donor splice site in intron 21 of the BRCA1 gene. It is expected to disrupt RNA splicing. Variants that disrupt the donor or acceptor splice site typically lead to a loss of protein function (PMID: 16199547), and loss-of-function variants in BRCA1 are known to be pathogenic (PMID: 20104584). This variant is not present in population databases (gnomAD no frequency). This variant has not been reported in the literature in individuals affected with BRCA1-related conditions. ClinVar contains an entry for this variant (Variation ID: 868429). Algorithms developed to predict the effect of variants on gene product structure and function are not available or were not evaluated for this variant. Experimental studies have shown that disruption of this splice site affects BRCA1 function (PMID: 30209399). Algorithms developed to predict the effect of sequence changes on RNA splicing suggest that this variant may disrupt the consensus splice site. For these reasons, this variant has been classified as Pathogenic.

Ambry Genetics
Classification: Pathogenic for Hereditary cancer-predisposing syndrome. Last evaluated: 2021-06-23. Review status: criteria provided, single submitter. Criteria: Ambry Variant Classification Scheme 2023. Collection method: clinical testing. Allele origin: germline.
Comment: The c.5406+2T>A intronic pathogenic mutation results from a T to A substitution two nucleotides after coding exon 20 in the BRCA1 gene. In silico splice site analysis predicts that this alteration will weaken the native splice donor site. One functional study found that this nucleotide substitution is non-functional in a high-throughput, genome editing, haploid cell survival assay. (Findlay GM et al. Nature, 2018 10;562:217-222). Many other alterations impacting the same donor site (c.5406+1G>A; c.5406+4A>G, c.5406+5G>T, c.5406+5G>C, c.5406+5G>A) cause coding exon 20 skipping (also called exon 22 in the literature), and are also non-functional in the high-throughput, genome editing, haploid cell survival assay (Ambry internal data; Houdayer C et al. Hum Mutat, 2012 Aug;33:1228-38; Steffensen AY et al. Eur J Hum Genet, 2014 Dec;22:1362-8; Wappenschmidt B et al. PLoS One, 2012 Dec;7:e50800; Kraus C et al. Int J Cancer, 2017 Jan;140:95-102; Petrij-Bosch A et al. Nat Genet, 1997 Nov;17:341-5). Alterations that disrupt the canonical splice site are expected to cause aberrant splicing, resulting in an abnormal protein or a transcript that is subject to nonsense-mediated mRNA decay. As such, this alteration is classified as a disease-causing mutation.

Brotman Baty Institute, University of Washington
No classification provided (evidence only). Condition: Breast-ovarian cancer, familial 1. Review status: no classification provided. Collection method: in vitro. Allele origin: not applicable. Functional consequence: functionally_abnormal. Not counted in ClinVar's aggregate classification.
ClinVar note: "not provided" was previously submitted as the classification for the variant. However, the classification appeared to be based only on an observation of functional data so it was converted to no classification on 2025-07-30.

Literature cited by the submitters: PubMed 16199547 (cited by Labcorp Genetics (formerly Invitae), Labcorp); PubMed 20104584 (cited by Labcorp Genetics (formerly Invitae), Labcorp); PubMed 30209399 (cited by Labcorp Genetics (formerly Invitae), Labcorp and Ambry Genetics); PubMed 22505045 (cited by Ambry Genetics); PubMed 23239986 (cited by Ambry Genetics); PubMed 24667779 (cited by Ambry Genetics); PubMed 27616075 (cited by Ambry Genetics); PubMed 9354803 (cited by Ambry Genetics).